The following is an entry in ClinVar:

ClinVar aggregate classification (germline): Pathogenic (1 of 4 stars; one submission).

Conditions:
Neuromuscular disease caused by qualitative or quantitative defects of dystrophin. Also called: Qualitative or quantitative defects of dystrophin. Identifiers: Orphanet 207085, MedGen C5679787, MONDO:0016147.

Submission:

Women's Health and Genetics/Laboratory Corporation of America, LabCorp
Classification: Pathogenic for Neuromuscular disease caused by qualitative or quantitative defects of dystrophin. Last evaluated: 2026-05-26. Review status: criteria provided, single submitter. Criteria: LabCorp Variant Classification Summary - May 2015. Collection method: clinical testing. Allele origin: germline.
Comment: Variant summary: The variant involves the deletion of exons 4-34 in the DMD gene. A presumed nomenclature of c.(186+1_187-1)_(4845+1_4846-1)del has been designated for the purposes of this classification. This Copy Number Variant (CNV) is predicted to result in an in-frame deletion within this gene. Loss-of-function variants in this gene are known to be pathogenic. The variant was absent in 16111 control chromosomes. To our knowledge, no occurrence of c.(186+1_187-1)_(4845+1_4846-1)del in individuals affected with DMD-related conditions and no experimental evidence demonstrating its impact on protein function have been reported. At least one variant within the deleted region (in frame exon 30 deletion) has been classified as Pathogenic/Likely Pathogenic by our lab. No submitters have cited clinical-significance assessments for this variant to ClinVar. Based on the evidence outlined above, the variant was classified as pathogenic.

NC_000023.10:g.(32383317_32398626)_(32862978_32867844)del

Gene: DMD (dystrophin; minus strand). Cytogenetic location: Xp21.1.
Variant type: Deletion.
Identifiers: ClinVar variation 4853685 (VCV004853685.1).